The following is an entry in ClinVar:

NM_004700.4(KCNQ4):c.1372C>A (p.Pro458Thr)

Gene: KCNQ4 (potassium voltage-gated channel subfamily Q member 4; plus strand). Cytogenetic location: 1p34.2.
Variant type: single nucleotide variant.
Coding change: c.1372C>A on transcript NM_004700.4 (MANE Select); coding-DNA position 1372, C replaced by A.
Protein change: p.Pro458Thr; replaces proline 458 with threonine.
Molecular consequence: missense variant.
Genome position (GRCh38, 1-based): chr1:40,831,163, C>A. VCF-style: chr1-40831163-C-A. GRCh37 (hg19) VCF-style: chr1-41296835-C-A.
Other names: c.1210C>A, p.Pro404Thr (NM_172163.3); short protein forms P458T, P404T.
Identifiers: ClinVar variation 429247 (VCV000429247.2), dbSNP rs1010168019, ClinGen allele CA21083207.

ClinVar aggregate classification (germline): Uncertain significance (1 of 4 stars; one submission).

Allele frequency attached by ClinVar (database versions not stated): gnomAD exomes below 0.00001.

Submission:

GeneDx
Classification: Uncertain significance. Last evaluated: 2017-05-02. Review status: criteria provided, single submitter. Criteria: GeneDx Variant Classification (06012015). Collection method: clinical testing. Allele origin: germline. Affected: yes.
Comment: The P458T variant in the KCNQ4 gene has not been reported previously as a pathogenic variant, nor as a benign variant, to our knowledge. The P458T variant is not observed in large population cohorts (Lek et al., 2016; 1000 Genomes Consortium et al., 2015; Exome Variant Server). The P458T variant is a non-conservative amino acid substitution, which is likely to impact secondary protein structure as these residues differ in polarity, charge, size and/or other properties. This substitution occurs at a position that is conserved in mammals. In silico analysis is inconsistent in its predictions as to whether or not the variant is damaging to the protein structure/function. We interpret P458T as a variant of uncertain significance.